The following is an entry in ClinVar:

NM_000069.3(CACNA1S):c.4114G>T (p.Val1372Phe)

Gene: CACNA1S (calcium voltage-gated channel subunit alpha1 S; minus strand). Cytogenetic location: 1q32.1.
Variant type: single nucleotide variant.
Coding change: c.4114G>T on transcript NM_000069.3 (MANE Select); coding-DNA position 4114, G replaced by T.
Protein change: p.Val1372Phe; replaces valine 1372 with phenylalanine.
Molecular consequence: missense variant.
Genome position (GRCh38, 1-based): chr1:201,050,516, C>A on the plus strand (G>T on the coding strand, the complement: CACNA1S is on the minus strand). VCF-style: chr1-201050516-C-A. GRCh37 (hg19) VCF-style: chr1-201019644-C-A.
Other names: short protein forms V1372F.
Identifiers: ClinVar variation 1009407 (VCV001009407.8), dbSNP rs1660614160, ClinGen allele CA344149155.
Genomic context (GRCh38, chr1:201,050,516, plus strand): 5'-ACCAGTCCCGGGTGAGGTAGTCAAAATTGTCCATGATGACAGCCACAAAGAGGTTGATGA[C>A]CTGCAAGAGAAGAACCAAGGGGTCCCAACACAGAAAGGCAGGTGGTACAGGGTTAGGGTG-3'
Protein context (NP_000060.2, residues 1362-1382): ISFYMLCAFL[Val1372Phe]INLFVAVIMD

ClinVar aggregate classification (germline): Uncertain significance (1 of 4 stars; one submission).

Conditions:
Hypokalemic periodic paralysis, type 1. Also called: HypoPP; Hypokalemic Periodic Paralysis Type 1 (AD). Identifiers: Orphanet 681, MedGen C3714580, MONDO:0042979, OMIM 170400.
Malignant hyperthermia, susceptibility to, 5 (MHS5). Also called: CACNA1S-Related Malignant Hyperthermia Susceptibility. Identifiers: Orphanet 423, MedGen C1866077, MONDO:0011163, OMIM 601887.

gnomAD v4.1: 1 of 1,613,962 alleles (0.000062%); highest among the groups gnomAD compares: Non-Finnish European, 0.000085%; no homozygotes.

Submission:

Labcorp Genetics (formerly Invitae), Labcorp
Classification: Uncertain significance for Hypokalemic periodic paralysis, type 1; Malignant hyperthermia, susceptibility to, 5. Last evaluated: 2022-11-29. Review status: criteria provided, single submitter. Criteria: Invitae Variant Classification Sherloc (09022015). Collection method: clinical testing. Allele origin: germline.
Comment: This variant is not present in population databases (gnomAD no frequency). This variant has not been reported in the literature in individuals affected with CACNA1S-related conditions. ClinVar contains an entry for this variant (Variation ID: 1009407). Algorithms developed to predict the effect of missense changes on protein structure and function are either unavailable or do not agree on the potential impact of this missense change (SIFT: "Deleterious"; PolyPhen-2: "Possibly Damaging"; Align-GVGD: "Class C0"). In summary, the available evidence is currently insufficient to determine the role of this variant in disease. Therefore, it has been classified as a Variant of Uncertain Significance. This sequence change replaces valine, which is neutral and non-polar, with phenylalanine, which is neutral and non-polar, at codon 1372 of the CACNA1S protein (p.Val1372Phe).